The following is an entry in ClinVar:

ClinVar aggregate classification (germline): Uncertain significance (1 of 4 stars; one submission).

Submission:

GeneDx
Classification: Uncertain significance. Last evaluated: 2020-10-16. Review status: criteria provided, single submitter. Criteria: GeneDx Variant Classification Process June 2021. Collection method: clinical testing. Allele origin: germline. Affected: yes.
Comment: Not observed in large population cohorts (Lek et al., 2016); In silico analysis supports that this missense variant does not alter protein structure/function; Has not been previously published as pathogenic or benign to our knowledge

NM_001378452.1(ITPR1):c.7462G>A (p.Val2488Ile)

Gene: ITPR1 (inositol 1,4,5-trisphosphate receptor type 1; plus strand). Cytogenetic location: 3p26.1.
Variant type: single nucleotide variant.
Coding change: c.7462G>A on transcript NM_001378452.1 (MANE Select); coding-DNA position 7462, G replaced by A.
Protein change: p.Val2488Ile; replaces valine 2488 with isoleucine.
Molecular consequence: missense variant.
Genome position (GRCh38, 1-based): chr3:4,811,454, G>A. VCF-style: chr3-4811454-G-A. GRCh37 (hg19) VCF-style: chr3-4853138-G-A.
Other names: c.7318G>A, p.Val2440Ile (NM_001099952.4); c.7417G>A, p.Val2473Ile (NM_001168272.2); c.7273G>A, p.Val2425Ile (NM_002222.7); short protein forms V2425I, V2440I, V2473I, V2488I.
Identifiers: ClinVar variation 1312619 (VCV001312619.2), dbSNP rs1399082347, ClinGen allele CA351648023.